The following is an entry in ClinVar:

ClinVar aggregate classification (germline): Uncertain significance (1 of 4 stars; one submission).

Conditions:
Cone-rod dystrophy 13 (CORD13). Identifiers: Orphanet 1872, MedGen C2750720, MONDO:0011987, OMIM 608194.
Leber congenital amaurosis 6 (LCA6). Identifiers: Orphanet 65, MedGen C1854260, MONDO:0013446, OMIM 613826.

Submission:

Labcorp Genetics (formerly Invitae), Labcorp
Classification: Uncertain significance for Leber congenital amaurosis 6; Cone-rod dystrophy 13. Last evaluated: 2022-10-24. Review status: criteria provided, single submitter. Criteria: Invitae Variant Classification Sherloc (09022015). Collection method: clinical testing. Allele origin: germline.
Comment: In summary, the available evidence is currently insufficient to determine the role of this variant in disease. Therefore, it has been classified as a Variant of Uncertain Significance. Advanced modeling of protein sequence and biophysical properties (such as structural, functional, and spatial information, amino acid conservation, physicochemical variation, residue mobility, and thermodynamic stability) performed at Invitae indicates that this missense variant is expected to disrupt RPGRIP1 protein function. This variant has not been reported in the literature in individuals affected with RPGRIP1-related conditions. This variant is not present in population databases (gnomAD no frequency). This sequence change replaces arginine, which is basic and polar, with glycine, which is neutral and non-polar, at codon 80 of the RPGRIP1 protein (p.Arg80Gly).

NM_020366.4(RPGRIP1):c.238C>G (p.Arg80Gly)

Gene: RPGRIP1 (RPGR interacting protein 1; plus strand). Cytogenetic location: 14q11.2.
Variant type: single nucleotide variant.
Coding change: c.238C>G on transcript NM_020366.4 (MANE Select); coding-DNA position 238, C replaced by G.
Protein change: p.Arg80Gly; replaces arginine 80 with glycine.
Molecular consequence: missense variant.
Genome position (GRCh38, 1-based): chr14:21,300,985, C>G. VCF-style: chr14-21300985-C-G. GRCh37 (hg19) VCF-style: chr14-21769144-C-G.
Other names: short protein forms R80G.
Identifiers: ClinVar variation 2065139 (VCV002065139.4), dbSNP rs2502705187, ClinGen allele CA388858480.